The following is an entry in ClinVar:

NM_033026.6(PCLO):c.2134C>T (p.Leu712Phe)

Gene: PCLO (piccolo presynaptic cytomatrix protein; minus strand). Cytogenetic location: 7q21.11.
Variant type: single nucleotide variant.
Coding change: c.2134C>T on transcript NM_033026.6 (MANE Select); coding-DNA position 2134, C replaced by T.
Protein change: p.Leu712Phe; replaces leucine 712 with phenylalanine.
Molecular consequence: missense variant.
Genome position (GRCh38, 1-based): chr7:83,135,416, G>A on the plus strand (C>T on the coding strand, the complement: PCLO is on the minus strand). VCF-style: chr7-83135416-G-A. GRCh37 (hg19) VCF-style: chr7-82764732-G-A.
Other names: c.2134C>T, p.Leu712Phe (NM_014510.3); short protein forms L712F.
Identifiers: ClinVar variation 1492173 (VCV001492173.3), dbSNP rs1247944060, ClinGen allele CA367904434.
Genomic context (GRCh38, chr7:83,135,416, plus strand): 5'-GCTTGGACAAAGAATCTGCCTCAGGGGGCTGCTTGGCCTTGGCTGAAGGAGAGCCATGAA[G>A]GGTTGGTTGTTTCACTAGTGGTGGTGGCTTTTTAGGCTCAGGTGCCTTGGAGAGATCCTG-3'
Protein context (NP_149015.2, residues 702-722): KPPPLVKQPT[Leu712Phe]HGSPSAKAKQ

ClinVar aggregate classification (germline): Uncertain significance (1 of 4 stars; one submission).

Allele frequency attached by ClinVar (database versions not stated): gnomAD exomes below 0.00001 and 0.00001; gnomAD 0.00001.
gnomAD v4.1: 7 of 1,613,816 alleles (0.00043%); highest among the groups gnomAD compares: African/African-American, 0.0053%; no homozygotes.

Submission:

Labcorp Genetics (formerly Invitae), Labcorp
Classification: Uncertain significance. Last evaluated: 2021-11-06. Review status: criteria provided, single submitter. Criteria: Invitae Variant Classification Sherloc (09022015). Collection method: clinical testing. Allele origin: germline.
Comment: This sequence change replaces leucine, which is neutral and non-polar, with phenylalanine, which is neutral and non-polar, at codon 712 of the PCLO protein (p.Leu712Phe). This variant is present in population databases (no rsID available, gnomAD 0.006%). This variant has not been reported in the literature in individuals affected with PCLO-related conditions. Algorithms developed to predict the effect of missense changes on protein structure and function are either unavailable or do not agree on the potential impact of this missense change (SIFT: "Tolerated"; PolyPhen-2: "Not Available"; Align-GVGD: "Class C0"). In summary, the available evidence is currently insufficient to determine the role of this variant in disease. Therefore, it has been classified as a Variant of Uncertain Significance.